The following is an entry in ClinVar:

ClinVar aggregate classification (germline): Uncertain significance (1 of 4 stars; one submission).

gnomAD v4.1: 8 of 1,613,550 alleles (0.0005%); highest among the groups gnomAD compares: East Asian, 0.0022%; no homozygotes.

Submission:

Labcorp Genetics (formerly Invitae), Labcorp
Classification: Uncertain significance. Last evaluated: 2024-10-09. Review status: criteria provided, single submitter. Criteria: Invitae Variant Classification Sherloc (09022015). Collection method: clinical testing. Allele origin: germline.
Comment: This sequence change replaces glycine, which is neutral and non-polar, with arginine, which is basic and polar, at codon 139 of the GPR161 protein (p.Gly139Arg). This variant is present in population databases (rs781504641, gnomAD 0.006%). This variant has not been reported in the literature in individuals affected with GPR161-related conditions. An algorithm developed to predict the effect of missense changes on protein structure and function (PolyPhen-2) suggests that this variant is likely to be disruptive. In summary, the available evidence is currently insufficient to determine the role of this variant in disease. Therefore, it has been classified as a Variant of Uncertain Significance.

NM_001375883.1(GPR161):c.355G>A (p.Gly119Arg)

Gene: GPR161 (G protein-coupled receptor 161; minus strand). Cytogenetic location: 1q24.2.
Variant type: single nucleotide variant.
Coding change: c.355G>A on transcript NM_001375883.1 (MANE Select); coding-DNA position 355, G replaced by A.
Protein change: p.Gly119Arg; replaces glycine 119 with arginine.
Molecular consequence: missense variant. On other transcripts: intron variant (4).
Genome position (GRCh38, 1-based): chr1:168,104,496, C>T on the plus strand (G>A on the coding strand, the complement: GPR161 is on the minus strand). VCF-style: chr1-168104496-C-T. GRCh37 (hg19) VCF-style: chr1-168073734-C-T.
Other names: c.-22-7264G>A (NM_001349635.1, NM_001267612.2); c.33-7264G>A (NM_001267614.1); c.141-7264G>A (NM_001267613.1); c.415G>A, p.Gly139Arg (NM_001267609.1); c.355G>A, p.Gly119Arg (NM_001267610.2, NM_001349632.1, NM_001349633.1 and 5 more transcripts); c.406G>A, p.Gly136Arg (NM_001267611.1); short protein forms G136R, G119R, G139R.
Identifiers: ClinVar variation 3631254 (VCV003631254.2).